The following is an entry in ClinVar:

ClinVar aggregate classification (germline): Uncertain significance (1 of 4 stars; one submission).

Conditions:
Neuropathy, hereditary sensory, type 2C. Also called: Hereditary sensory and autonomic neuropathy type IIC; KIF1A-Related HSAN2 (HSAN2C). Identifiers: Orphanet 970, MedGen C3280168, MONDO:0013634, OMIM 614213.
Intellectual disability, autosomal dominant 9 (NESCAVS). Also called: KIF1A-Related Neurodevelopmental Disorder; NESCAV SYNDROME. Identifiers: Orphanet 662367, MedGen C5393830, MONDO:0013656, OMIM 614255.
Hereditary spastic paraplegia 30. Identifiers: Orphanet 101010, MedGen C5235139, MONDO:0012476.

Allele frequency attached by ClinVar (database versions not stated): gnomAD exomes 0.00001.
gnomAD v4.1: 6 of 1,612,554 alleles (0.00037%); highest among the groups gnomAD compares: Non-Finnish European, 0.00051%; no homozygotes.

Submission:

Labcorp Genetics (formerly Invitae), Labcorp
Classification: Uncertain significance for Hereditary spastic paraplegia 30; Neuropathy, hereditary sensory, type 2C; Intellectual disability, autosomal dominant 9. Last evaluated: 2025-10-02. Review status: criteria provided, single submitter. Criteria: Invitae Variant Classification Sherloc (09022015). Collection method: clinical testing. Allele origin: germline.
Comment: This sequence change replaces glutamic acid, which is acidic and polar, with alanine, which is neutral and non-polar, at codon 1326 of the KIF1A protein (p.Glu1326Ala). This variant is not present in population databases (gnomAD no frequency). This variant has not been reported in the literature in individuals affected with KIF1A-related conditions. ClinVar contains an entry for this variant (Variation ID: 1035049). Invitae Evidence Modeling of protein sequence and biophysical properties (such as structural, functional, and spatial information, amino acid conservation, physicochemical variation, residue mobility, and thermodynamic stability) indicates that this missense variant is not expected to disrupt KIF1A protein function with a negative predictive value of 95%. In summary, the available evidence is currently insufficient to determine the role of this variant in disease. Therefore, it has been classified as a Variant of Uncertain Significance.

NM_001244008.2(KIF1A):c.4280A>C (p.Glu1427Ala)

Gene: KIF1A (kinesin family member 1A; minus strand). Cytogenetic location: 2q37.3.
Variant type: single nucleotide variant.
Coding change: c.4280A>C on transcript NM_001244008.2 (MANE Select); coding-DNA position 4280, A replaced by C.
Protein change: p.Glu1427Ala; replaces glutamic acid 1427 with alanine.
Molecular consequence: missense variant.
Genome position (GRCh38, 1-based): chr2:240,724,013, T>G on the plus strand (A>C on the coding strand, the complement: KIF1A is on the minus strand). VCF-style: chr2-240724013-T-G. GRCh37 (hg19) VCF-style: chr2-241663430-T-G.
Other names: c.4004A>C, p.Glu1335Ala (NM_001320705.2, NM_001379649.1); c.4031A>C, p.Glu1344Ala (NM_001330289.2); c.4079A>C, p.Glu1360Ala (NM_001330290.2, NM_001379648.1); c.4355A>C, p.Glu1452Ala (NM_001379631.1); c.4256A>C, p.Glu1419Ala (NM_001379632.1); c.4253A>C, p.Glu1418Ala (NM_001379633.1, NM_001379645.1); c.4106A>C, p.Glu1369Ala (NM_001379634.1); c.4103A>C, p.Glu1368Ala (NM_001379635.1, NM_001379646.1); and 7 more; short protein forms E1334A, E1343A, E1368A, E1418A, E1351A, E1427A, E1325A, E1326A.
Identifiers: ClinVar variation 1035049 (VCV001035049.9), dbSNP rs2045704169, ClinGen allele CA351306169.
Genomic context (GRCh38, chr2:240,724,013, plus strand): 5'-TGAGAGCAGGGCAGATACCTACCTGGGCTGCCCGCGTCAGCCACGTGGCACAGGCTGAGC[T>G]CGTACACACCAGTCACACGGTTACTGTGGGGAGTAGAAGGAGTGACATGCAGTCACCAGG-3'
Protein context (NP_001230937.1, residues 1417-1437): SESNRVTGVY[Glu1427Ala]LSLCHVADAG